The following is an entry in ClinVar:

NM_000285.4(PEPD):c.1291C>A (p.Arg431Ser)

Gene: PEPD (peptidase D; minus strand). Cytogenetic location: 19q13.11.
Variant type: single nucleotide variant.
Coding change: c.1291C>A on transcript NM_000285.4 (MANE Select); coding-DNA position 1291, C replaced by A.
Protein change: p.Arg431Ser; replaces arginine 431 with serine.
Molecular consequence: missense variant.
Genome position (GRCh38, 1-based): chr19:33,387,943, G>T on the plus strand (C>A on the coding strand, the complement: PEPD is on the minus strand). VCF-style: chr19-33387943-G-T. GRCh37 (hg19) VCF-style: chr19-33878849-G-T.
Other names: c.1291C>A (NM_000285.3); c.1168C>A, p.Arg390Ser (NM_001166056.2); c.1099C>A, p.Arg367Ser (NM_001166057.2); short protein forms R390S, R367S, R431S.
Identifiers: ClinVar variation 1933985 (VCV001933985.4), dbSNP rs751121493, ClinGen allele CA405220335.

ClinVar aggregate classification (germline): Uncertain significance. Review status: criteria provided, multiple submitters, no conflicts (2 of 4 stars). 2 submissions from 2 submitters: Uncertain significance (2). Last evaluated 2025-11-20.

Conditions:
Inborn genetic diseases. Identifiers: MedGen C0950123, MeSH D030342.

Submissions (2):

Ambry Genetics
Classification: Uncertain significance for Inborn genetic diseases. Last evaluated: 2025-11-20. Review status: criteria provided, single submitter. Criteria: Ambry Variant Classification Scheme 2023. Collection method: clinical testing. Allele origin: germline.

Labcorp Genetics (formerly Invitae), Labcorp
Classification: Uncertain significance. Last evaluated: 2024-10-07. Review status: criteria provided, single submitter. Criteria: Invitae Variant Classification Sherloc (09022015). Collection method: clinical testing. Allele origin: germline.
Comment: This sequence change replaces arginine, which is basic and polar, with serine, which is neutral and polar, at codon 431 of the PEPD protein (p.Arg431Ser). This variant is not present in population databases (gnomAD no frequency). This variant has not been reported in the literature in individuals affected with PEPD-related conditions. ClinVar contains an entry for this variant (Variation ID: 1933985). Invitae Evidence Modeling of protein sequence and biophysical properties (such as structural, functional, and spatial information, amino acid conservation, physicochemical variation, residue mobility, and thermodynamic stability) indicates that this missense variant is not expected to disrupt PEPD protein function with a negative predictive value of 95%. In summary, the available evidence is currently insufficient to determine the role of this variant in disease. Therefore, it has been classified as a Variant of Uncertain Significance.